The following is an entry in ClinVar:

ClinVar aggregate classification (germline): Uncertain significance (1 of 4 stars; one submission).

Conditions:
Hereditary cancer-predisposing syndrome. Also called: Neoplastic Syndromes, Hereditary; Tumor predisposition; Hereditary neoplastic syndrome; Hereditary Cancer Syndrome. Identifiers: Orphanet 140162, MedGen C0027672, MeSH D009386, MONDO:0015356.

Submissions (2):

Ambry Genetics
Classification: Uncertain significance for Hereditary cancer-predisposing syndrome. Last evaluated: 2023-09-19. Review status: criteria provided, single submitter. Criteria: Ambry Variant Classification Scheme 2023. Collection method: clinical testing. Allele origin: germline.
Comment: The p.R912Q variant (also known as c.2735G>A), located in coding exon 16 of the RET gene, results from a G to A substitution at nucleotide position 2735. The arginine at codon 912 is replaced by glutamine, an amino acid with highly similar properties. This alteration has been identified in multiple individuals diagnosed with Hirschsprung disease (Fitze G et al. Lancet, 2002 Apr;359:1200-5; Prato AP et al. Medicine (Baltimore), 2009 Mar;88:83-90). In one functional study, this alteration had impaired colony formation (Hyndman BD et al. Hum Mutat, 2013 Jan;34:132-42). This amino acid position is highly conserved in available vertebrate species. In addition, this alteration is predicted to be deleterious by in silico analysis. Since supporting evidence is limited at this time, the clinical significance of this alteration remains unclear.

Dr. Peter K. Rogan Lab, Western University
No classification provided (evidence only). Condition: Melanoma. Review status: no classification provided. Collection method: in vitro. Allele origin: not applicable. Functional consequence: retained intron. Not counted in ClinVar's aggregate classification.

Literature cited by the submitters: PubMed 11955539 (cited by Ambry Genetics); PubMed 19282698 (cited by Ambry Genetics); PubMed 22837065 (cited by Ambry Genetics).

NM_020975.6(RET):c.2735G>A (p.Arg912Gln)

Gene: RET (ret proto-oncogene; plus strand). Cytogenetic location: 10q11.21.
Variant type: single nucleotide variant.
Coding change: c.2735G>A on transcript NM_020975.6 (MANE Select); coding-DNA position 2735, G replaced by A.
Protein change: p.Arg912Gln; replaces arginine 912 with glutamine.
Molecular consequence: missense variant.
Genome position (GRCh38, 1-based): chr10:43,121,950, G>A. VCF-style: chr10-43121950-G-A. GRCh37 (hg19) VCF-style: chr10-43617398-G-A.
Other names: NC_000010.10:g.43617398G>A; c.2735G>A, p.Arg912Gln (NM_000323.2, NM_001406743.1, NM_001406744.1 and 4 more transcripts); c.1973G>A, p.Arg658Gln (NM_001355216.2); c.2606G>A, p.Arg869Gln (NM_001406761.1, NM_001406762.1, NM_001406764.1); c.2600G>A, p.Arg867Gln (NM_001406763.1, NM_001406765.1); c.2447G>A, p.Arg816Gln (NM_001406766.1, NM_001406767.1, NM_001406770.1); c.2471G>A, p.Arg824Gln (NM_001406768.1); c.2339G>A, p.Arg780Gln (NM_001406769.1, NM_001406772.1); and 11 more; short protein forms R658Q, R573Q, R670Q, R780Q, R517Q, R570Q, R613Q, R867Q.
Identifiers: ClinVar variation 3227539 (VCV003227539.2), dbSNP rs78347871, ClinGen allele CA009058.